The following is an entry in ClinVar:

NM_020975.6(RET):c.855C>G (p.Phe285Leu)

Gene: RET (ret proto-oncogene; plus strand). Cytogenetic location: 10q11.21.
Variant type: single nucleotide variant.
Coding change: c.855C>G on transcript NM_020975.6 (MANE Select); coding-DNA position 855, C replaced by G.
Protein change: p.Phe285Leu; replaces phenylalanine 285 with leucine.
Molecular consequence: missense variant.
Genome position (GRCh38, 1-based): chr10:43,105,181, C>G. VCF-style: chr10-43105181-C-G. GRCh37 (hg19) VCF-style: chr10-43600629-C-G.
Other names: c.855C>G, p.Phe285Leu (NM_000323.2, NM_001406743.1, NM_001406744.1 and 8 more transcripts); c.93C>G, p.Phe31Leu (NM_001355216.2); c.726C>G, p.Phe242Leu (NM_001406761.1, NM_001406762.1, NM_001406764.1 and 2 more transcripts); c.567C>G, p.Phe189Leu (NM_001406766.1, NM_001406767.1, NM_001406770.1); short protein forms F285L, F31L, F189L, F242L.
Identifiers: ClinVar variation 1000866 (VCV001000866.10), dbSNP rs778909045, ClinGen allele CA045130.
Genomic context (GRCh38, chr10:43,105,181, plus strand): 5'-GGACGACTCGGCGCCCACCTTCCCCGCGGGCGTCGACACCGCCAGCGCCGTGGTGGAGTT[C>G]AAGCGGAAGGAGGTGCTTGTCCGCGCGTGCTGTGGTCTACCCAGTGTCTGTCTCCGGCCA-3'
Protein context (NP_066124.1, residues 275-295): GVDTASAVVE[Phe285Leu]KRKEDTVVAT

ClinVar aggregate classification (germline): Uncertain significance. Review status: criteria provided, multiple submitters, no conflicts (2 of 4 stars). 2 submissions from 2 submitters: Uncertain significance (2). Last evaluated 2024-04-22.

Conditions:
Hereditary cancer-predisposing syndrome. Also called: Neoplastic Syndromes, Hereditary; Tumor predisposition; Hereditary Cancer Syndrome; Hereditary neoplastic syndrome. Identifiers: Orphanet 140162, MedGen C0027672, MeSH D009386, MONDO:0015356.
Multiple endocrine neoplasia, type 2 (MEN2). Identifiers: Orphanet 653, MedGen C4048306, MONDO:0019003. Disease mechanism: gain of function.

Allele frequency attached by ClinVar (database versions not stated): TOPMed below 0.00001; ExAC 0.00001.

Submissions (2):

Labcorp Genetics (formerly Invitae), Labcorp
Classification: Uncertain significance for Multiple endocrine neoplasia, type 2. Last evaluated: 2024-04-22. Review status: criteria provided, single submitter. Criteria: Invitae Variant Classification Sherloc (09022015). Collection method: clinical testing. Allele origin: germline.
Comment: This sequence change replaces phenylalanine, which is neutral and non-polar, with leucine, which is neutral and non-polar, at codon 285 of the RET protein (p.Phe285Leu). This variant is present in population databases (rs778909045, gnomAD 0.0009%). This variant has not been reported in the literature in individuals affected with RET-related conditions. ClinVar contains an entry for this variant (Variation ID: 1000866). An algorithm developed to predict the effect of missense changes on protein structure and function (PolyPhen-2) suggests that this variant is likely to be tolerated. In summary, the available evidence is currently insufficient to determine the role of this variant in disease. Therefore, it has been classified as a Variant of Uncertain Significance.

Ambry Genetics
Classification: Uncertain significance for Hereditary cancer-predisposing syndrome. Last evaluated: 2015-05-21. Review status: criteria provided, single submitter. Criteria: Ambry Variant Classification Scheme 2023. Collection method: clinical testing. Allele origin: germline.
Comment: The p.F285L variant (also known as c.855C>G), located in coding exon 4 of the RET gene, results from a C to G substitution at nucleotide position 855. The phenylalanine at codon 285 is replaced by leucine, an amino acid with highly similar properties. This variant was not reported in population based cohorts in the following databases: Database of Single Nucleotide Polymorphisms (dbSNP), NHLBI Exome Sequencing Project (ESP), and 1000 Genomes Project. In the ESP, this variant was not observed in 6503 samples (13006 alleles) with coverage at this position. To date, this alteration has been detected with an allele frequency of approximately 0.002% (greater than 5000 alleles tested) in our clinical cohort. This amino acid position is well conserved in available vertebrate species. In addition, this alteration is predicted to be benign yet deleterious by PolyPhen and SIFT in silico analyses, respectively. Since supporting evidence is limited at this time, the clinical significance of p.F285L remains unclear.